The following is an entry in ClinVar:

ClinVar aggregate classification (germline): Likely pathogenic (1 of 4 stars; one submission).

Conditions:
Sotos syndrome (SOTOS). Also called: Distinctive facial appearance, overgrowth in childhood, and learning disabilities or delayed development; CHROMOSOME 5q35 DELETION SYNDROME; SOTOS SYNDROME 1; CEREBRAL GIGANTISM; Sotos' syndrome. Identifiers: Orphanet 821, MedGen C0175695, MONDO:0019349, OMIM 117550.

Submission:

Department of Clinical Genetics, Aarhus University Hospital
Classification: Likely pathogenic for Sotos syndrome. Last evaluated: 2025-12-30. Review status: criteria provided, single submitter. Criteria: ACMG Guidelines, 2015. Collection method: clinical testing. Allele origin: de novo. Inheritance: Autosomal dominant inheritance. Affected: yes.
Comment: The variant is not seen in the gnomAD 4.1 database. Splice computational tools (SpliceAI) predict the variant to introduce a new exon in intron 8 which would change the reading frame. To our knowledge the variant has not been reported in the litterature in individuals with Sotos syndrome. According to the ACMG guidelines, this variant is interpreted as likely pathogenic (PP3, PM2_sup, PS2).

NM_022455.5(NSD1):c.4303-1523G>T

Gene: NSD1 (nuclear receptor binding SET domain protein 1; plus strand). Cytogenetic location: 5q35.3.
Variant type: single nucleotide variant.
Coding change: c.4303-1523G>T on transcript NM_022455.5 (MANE Select); 1523 bases into the intron before coding-DNA position 4303, G replaced by T.
Molecular consequence: intron variant.
Genome position (GRCh38, 1-based): chr5:177,242,672, G>T. VCF-style: chr5-177242672-G-T. GRCh37 (hg19) VCF-style: chr5-176669673-G-T.
Other names: c.4303-1523G>T (NM_001409301.1, NM_001409302.1, NM_001409303.1); c.3883-1523G>T (NM_001409304.1); c.3550-1523G>T (NM_001409305.1); c.3430-1523G>T (NM_001409306.1, NM_001409308.1, NM_001409307.1 and 3 more transcripts).
Identifiers: ClinVar variation 4795248 (VCV004795248.1).